The following is an entry in ClinVar:

NM_057175.5(NAA15):c.959A>G (p.Lys320Arg)

Gene: NAA15 (N-alpha-acetyltransferase 15, NatA auxiliary subunit; plus strand). Cytogenetic location: 4q31.1.
Variant type: single nucleotide variant.
Coding change: c.959A>G on transcript NM_057175.5 (MANE Select); coding-DNA position 959, A replaced by G.
Protein change: p.Lys320Arg; replaces lysine 320 with arginine.
Molecular consequence: missense variant.
Genome position (GRCh38, 1-based): chr4:139,351,556, A>G. VCF-style: chr4-139351556-A-G. GRCh37 (hg19) VCF-style: chr4-140272710-A-G.
Other names: short protein forms K320R.
Identifiers: ClinVar variation 1298969 (VCV001298969.40), dbSNP rs1747778400, ClinGen allele CA358261530.

ClinVar aggregate classification (germline): Uncertain significance. Review status: criteria provided, multiple submitters, no conflicts (2 of 4 stars). 3 submissions from 3 submitters: Uncertain significance (3). Last evaluated 2024-08-12.

Allele frequency attached by ClinVar (database versions not stated): TOPMed below 0.00001; gnomAD 0.00001; gnomAD exomes 0.00001.
gnomAD v4.1: 16 of 1,609,034 alleles (0.00099%); highest among the groups gnomAD compares: Non-Finnish European, 0.0014%; no homozygotes.

Submissions (3):

Women's Health and Genetics/Laboratory Corporation of America, LabCorp
Classification: Uncertain significance. Last evaluated: 2024-08-12. Review status: criteria provided, single submitter. Criteria: LabCorp Variant Classification Summary - May 2015. Collection method: clinical testing. Allele origin: germline.
Comment: Variant summary: NAA15 c.959A>G (p.Lys320Arg) results in a conservative amino acid change in the encoded protein sequence. Three of five in-silico tools predict a benign effect of the variant on protein function. The variant allele was found at a frequency of 1e-05 in 1602054 control chromosomes (gnomAD, v4.1 dataset). To our knowledge, no occurrence of c.959A>G in individuals affected with Intellectual Disability, Autosomal Dominant 50 and no experimental evidence demonstrating its impact on protein function have been reported. ClinVar contains an entry for this variant (Variation ID: 1298969). Based on the evidence outlined above, the variant was classified as VUS-possibly benign.

Labcorp Genetics (formerly Invitae), Labcorp
Classification: Uncertain significance. Last evaluated: 2023-08-01. Review status: criteria provided, single submitter. Criteria: Invitae Variant Classification Sherloc (09022015). Collection method: clinical testing. Allele origin: germline.
Comment: An algorithm developed to predict the effect of missense changes on protein structure and function (PolyPhen-2) suggests that this variant is likely to be disruptive. In summary, the available evidence is currently insufficient to determine the role of this variant in disease. Therefore, it has been classified as a Variant of Uncertain Significance. ClinVar contains an entry for this variant (Variation ID: 1298969). This variant has not been reported in the literature in individuals affected with NAA15-related conditions. This variant is not present in population databases (gnomAD no frequency). This sequence change replaces lysine, which is basic and polar, with arginine, which is basic and polar, at codon 320 of the NAA15 protein (p.Lys320Arg).

CeGaT Center for Human Genetics Tuebingen
Classification: Uncertain significance. Last evaluated: 2021-07-01. Review status: criteria provided, single submitter. Criteria: CeGaT Center For Human Genetics Tuebingen Variant Classification Criteria Version 2. Collection method: clinical testing. Allele origin: germline. Affected: yes. Observed: 1 variant allele.